The following is an entry in ClinVar:

NM_003072.5(SMARCA4):c.4152G>T (p.Thr1384=)

Gene: SMARCA4 (SWI/SNF related BAF chromatin remodeling complex subunit ATPase 4; plus strand). Cytogenetic location: 19p13.2.
Variant type: single nucleotide variant.
Coding change: c.4152G>T on transcript NM_003072.5 (MANE Select); coding-DNA position 4152, G replaced by T.
Protein change: p.Thr1384=; no amino-acid change (threonine 1384 retained).
Molecular consequence: synonymous variant. On other transcripts: non-coding transcript variant (1).
Genome position (GRCh38, 1-based): chr19:11,035,114, G>T. VCF-style: chr19-11035114-G-T. GRCh37 (hg19) VCF-style: chr19-11145790-G-T.
Other names: c.4152G>T, p.Thr1384= (NM_001128844.3, NM_001128849.3, NM_001387283.1); c.4053G>T, p.Thr1351= (NM_001128845.2, NM_001128846.2, NM_001128847.4 and 2 more transcripts).
Identifiers: ClinVar variation 415044 (VCV000415044.22), dbSNP rs372620534, ClinGen allele CA16615963.

ClinVar aggregate classification (germline): Likely benign. Review status: criteria provided, multiple submitters, no conflicts (2 of 4 stars). 3 submissions from 3 submitters: Likely benign (3). Last evaluated 2025-12-19.

Conditions:
Hereditary cancer-predisposing syndrome. Also called: Tumor predisposition; Hereditary neoplastic syndrome; Hereditary Cancer Syndrome; Neoplastic Syndromes, Hereditary. Identifiers: Orphanet 140162, MedGen C0027672, MeSH D009386, MONDO:0015356.
Rhabdoid tumor predisposition syndrome 2 (RTPS2). Identifiers: Orphanet 231108, Orphanet 69077, MedGen C2750074, MONDO:0013224, OMIM 613325.

gnomAD v4.1: 2 of 1,612,526 alleles (0.00012%); highest among the groups gnomAD compares: Non-Finnish European, 0.00017%; no homozygotes.

Submissions (3):

Labcorp Genetics (formerly Invitae), Labcorp
Classification: Likely benign for Rhabdoid tumor predisposition syndrome 2. Last evaluated: 2025-12-19. Review status: criteria provided, single submitter. Criteria: Invitae Variant Classification Sherloc (09022015). Collection method: clinical testing. Allele origin: germline.

CeGaT Center for Human Genetics Tuebingen
Classification: Likely benign. Last evaluated: 2025-08-01. Review status: criteria provided, single submitter. Criteria: CeGaT Center For Human Genetics Tuebingen Variant Classification Criteria Version 2. Collection method: clinical testing. Allele origin: germline. Affected: yes. Observed: 1 variant allele.
Comment: SMARCA4: BP4, BP7

Ambry Genetics
Classification: Likely benign for Hereditary cancer-predisposing syndrome. Last evaluated: 2015-08-26. Review status: criteria provided, single submitter. Criteria: Ambry Variant Classification Scheme 2023. Collection method: clinical testing. Allele origin: germline.